The following is an entry in ClinVar:

ClinVar aggregate classification (germline): Benign. Review status: criteria provided, multiple submitters, no conflicts (2 of 4 stars). 2 submissions from 2 submitters: Benign (2). Last evaluated 2018-01-12.

Conditions:
Hennekam lymphangiectasia-lymphedema syndrome 1 (HKLLS1). Also called: LYMPHATIC DYSPLASIA, GENERALIZED. Identifiers: Orphanet 2136, MedGen C4012050, MONDO:0009337, OMIM 235510.

Allele frequency attached by ClinVar (database versions not stated): gnomAD 0.02874 and 0.02945; TOPMed 0.03512; 1000 Genomes Project 30x 0.05778; 1000 Genomes Project 0.05851.

Submissions (2):

Illumina Laboratory Services, Illumina
Classification: Benign for Hennekam lymphangiectasia-lymphedema syndrome 1. Last evaluated: 2018-01-12. Review status: criteria provided, single submitter. Criteria: ICSL Variant Classification Criteria 13 December 2019. Collection method: clinical testing. Allele origin: germline.
Comment: This variant was observed in the ICSL laboratory as part of a predisposition screen in an ostensibly healthy population. It had not been previously curated by ICSL or reported in the Human Gene Mutation Database (HGMD: prior to June 1st, 2018), and was therefore a candidate for classification through an automated scoring system. Utilizing variant allele frequency, disease prevalence and penetrance estimates, and inheritance mode, an automated score was calculated to assess if this variant is too frequent to cause the disease. Based on the score and internal cut-off values, a variant classified as benign is not then subjected to further curation. The score for this variant resulted in a classification of benign for this disease.

Breakthrough Genomics
Classification: Benign. Review status: criteria provided, single submitter. Criteria: ACMG Guidelines, 2015. Collection method: not provided. Allele origin: germline. Inheritance: Autosomal recessive inheritance. Affected: yes.

NM_133459.4(CCBE1):c.*3162T>C

Gene: CCBE1 (collagen and calcium binding EGF domains 1; minus strand). Cytogenetic location: 18q21.32.
Variant type: single nucleotide variant.
Coding change: c.*3162T>C on transcript NM_133459.4 (MANE Select); 3162 bases downstream of the stop codon, T replaced by C.
Molecular consequence: 3 prime UTR variant.
Genome position (GRCh38, 1-based): chr18:59,432,746, A>G on the plus strand (T>C on the coding strand, the complement: CCBE1 is on the minus strand). VCF-style: chr18-59432746-A-G. GRCh37 (hg19) VCF-style: chr18-57099978-A-G.
Other names: c.*3162T>C (LRG_1209t1).
Identifiers: ClinVar variation 327614 (VCV000327614.6), dbSNP rs78990130, ClinGen allele CA10647995.
Genomic context (GRCh38, chr18:59,432,746, plus strand): 5'-ATACAGGTTACCATAAGTTTTGCTGGAGAATATTATCTGGAATAGTTTCATGAAACCCAG[A>G]CAATACTACTTTCCATTAATTCTTTTAATATATTATTCTAGCCTATGGCCAAACATGCAG-3'